The following is an entry in ClinVar:

NM_021922.3(FANCE):c.698G>A (p.Arg233Lys)

Gene: FANCE (FA complementation group E; plus strand). Cytogenetic location: 6p21.31.
Variant type: single nucleotide variant.
Coding change: c.698G>A on transcript NM_021922.3 (MANE Select); coding-DNA position 698, G replaced by A.
Protein change: p.Arg233Lys; replaces arginine 233 with lysine.
Molecular consequence: missense variant.
Genome position (GRCh38, 1-based): chr6:35,456,196, G>A. VCF-style: chr6-35456196-G-A. GRCh37 (hg19) VCF-style: chr6-35423973-G-A.
Other names: c.698G>A, p.Arg233Lys (NM_001410876.1); short protein forms R233K.
Identifiers: ClinVar variation 2072640 (VCV002072640.3), dbSNP rs2150891432, ClinGen allele CA363773626.
Genomic context (GRCh38, chr6:35,456,196, plus strand): 5'-GGAAGAGGGTCCCCAAAAGATTACGGTGTTGGGAAGAGGAAGAAGATCATGAGAAGGAGA[G>A]ACCCGAACATAAGTCACTGGAATCCCTGGCAGATGGAGGAAGTGCATCTCCTATTAAGGA-3'
Protein context (NP_068741.1, residues 223-243): WEEEEDHEKE[Arg233Lys]PEHKSLESLA

ClinVar aggregate classification (germline): Uncertain significance. Review status: criteria provided, multiple submitters, no conflicts (2 of 4 stars). 2 submissions from 2 submitters: Uncertain significance (2). Last evaluated 2024-05-20.

Conditions:
Fanconi anemia complementation group E (FANCE). Also called: FANCE-Related Fanconi Anemia. Identifiers: Orphanet 84, MedGen C3160739, MONDO:0010953, OMIM 600901.

gnomAD v4.1: 1 of 1,601,294 alleles (0.000062%); no homozygotes.

Submissions (2):

Labcorp Genetics (formerly Invitae), Labcorp
Classification: Uncertain significance for Fanconi anemia complementation group E. Last evaluated: 2024-05-20. Review status: criteria provided, single submitter. Criteria: Invitae Variant Classification Sherloc (09022015). Collection method: clinical testing. Allele origin: germline.
Comment: This sequence change replaces arginine, which is basic and polar, with lysine, which is basic and polar, at codon 233 of the FANCE protein (p.Arg233Lys). This variant is not present in population databases (gnomAD no frequency). This variant has not been reported in the literature in individuals affected with FANCE-related conditions. ClinVar contains an entry for this variant (Variation ID: 2072640). Advanced modeling of protein sequence and biophysical properties (such as structural, functional, and spatial information, amino acid conservation, physicochemical variation, residue mobility, and thermodynamic stability) performed at Invitae indicates that this missense variant is not expected to disrupt FANCE protein function with a negative predictive value of 80%. In summary, the available evidence is currently insufficient to determine the role of this variant in disease. Therefore, it has been classified as a Variant of Uncertain Significance.

Fulgent Genetics
Classification: Uncertain significance for Fanconi anemia complementation group E. Last evaluated: 2024-05-01. Review status: criteria provided, single submitter. Criteria: ACMG Guidelines, 2015. Collection method: clinical testing. Allele origin: germline.